The following is an entry in ClinVar:

ClinVar aggregate classification (germline): Conflicting classifications of pathogenicity. Review status: criteria provided, conflicting classifications (1 of 4 stars). 3 submissions from 3 submitters: Uncertain significance (1); Likely benign (1). 1 of the submissions does not count toward it. Last evaluated 2025-02-09.

Conditions:
CREBBP-related disorder. Also called: CREBBP-related condition; CREBBP-related disorders.
Rubinstein-Taybi syndrome (RSTS). Identifiers: Orphanet 783, MedGen C0035934, MONDO:0019188.

Allele frequency attached by ClinVar (database versions not stated): ExAC 0.00001; gnomAD 0.00001; gnomAD exomes 0.00002; TOPMed 0.00002.
gnomAD v4.1: 25 of 1,614,048 alleles (0.0015%); highest among the groups gnomAD compares: East Asian, 0.0045%; no homozygotes.

Submissions (3):

Labcorp Genetics (formerly Invitae), Labcorp
Classification: Likely benign for Rubinstein-Taybi syndrome. Last evaluated: 2025-02-09. Review status: criteria provided, single submitter. Criteria: Invitae Variant Classification Sherloc (09022015). Collection method: clinical testing. Allele origin: germline.

Eurofins Ntd Llc (ga)
Classification: Uncertain significance. Last evaluated: 2014-07-03. Review status: criteria provided, single submitter. Criteria: EGL Classification Definitions 2015. Collection method: clinical testing. Allele origin: germline. Observed: 1 variant allele, 1 heterozygote.

PreventionGenetics, part of Exact Sciences
Classification: Likely benign for CREBBP-related condition. Last evaluated: 2021-07-19. Review status: no assertion criteria provided. Collection method: clinical testing. Allele origin: germline. Not counted in ClinVar's aggregate classification.
Comment: This variant is classified as likely benign based on ACMG/AMP sequence variant interpretation guidelines (Richards et al. 2015 PMID: 25741868, with internal and published modifications).

NM_004380.3(CREBBP):c.5517C>T (p.Pro1839=)

Gene: CREBBP (CREB binding lysine acetyltransferase; minus strand). Cytogenetic location: 16p13.3.
Variant type: single nucleotide variant.
Coding change: c.5517C>T on transcript NM_004380.3 (MANE Select); coding-DNA position 5517, C replaced by T.
Protein change: p.Pro1839=; no amino-acid change (proline 1839 retained).
Molecular consequence: synonymous variant.
Genome position (GRCh38, 1-based): chr16:3,729,530, G>A on the plus strand (C>T on the coding strand, the complement: CREBBP is on the minus strand). VCF-style: chr16-3729530-G-A. GRCh37 (hg19) VCF-style: chr16-3779531-G-A.
Other names: c.5403C>T, p.Pro1801= (NM_001079846.1); c.5517C>T (NM_004380.2).
Identifiers: ClinVar variation 196697 (VCV000196697.7), dbSNP rs760307939, ClinGen allele CA243763.